The following is an entry in ClinVar:

ClinVar aggregate classification (germline): Uncertain significance. Review status: criteria provided, multiple submitters, no conflicts (2 of 4 stars). 2 submissions from 2 submitters: Uncertain significance (2). Last evaluated 2024-08-14.

Conditions:
Kabuki syndrome. Also called: NIIKAWA-KUROKI SYNDROME; Kabuki make-up syndrome. Identifiers: Orphanet 2322, MedGen C0796004, MONDO:0016512.
Inborn genetic diseases. Identifiers: MedGen C0950123, MeSH D030342.

Allele frequency attached by ClinVar (database versions not stated): gnomAD exomes below 0.00001.
gnomAD v4.1: 1 of 1,551,296 alleles (0.000064%); highest among the groups gnomAD compares: Non-Finnish European, 0.000087%; no homozygotes.

Submissions (2):

Ambry Genetics
Classification: Uncertain significance for Inborn genetic diseases. Last evaluated: 2024-08-14. Review status: criteria provided, single submitter. Criteria: Ambry Variant Classification Scheme 2023. Collection method: clinical testing. Allele origin: germline.

Labcorp Genetics (formerly Invitae), Labcorp
Classification: Uncertain significance for Kabuki syndrome. Last evaluated: 2023-06-01. Review status: criteria provided, single submitter. Criteria: Invitae Variant Classification Sherloc (09022015). Collection method: clinical testing. Allele origin: germline.
Comment: In summary, the available evidence is currently insufficient to determine the role of this variant in disease. Therefore, it has been classified as a Variant of Uncertain Significance. Advanced modeling of protein sequence and biophysical properties (such as structural, functional, and spatial information, amino acid conservation, physicochemical variation, residue mobility, and thermodynamic stability) performed at Invitae indicates that this missense variant is not expected to disrupt KMT2D protein function. This variant has not been reported in the literature in individuals affected with KMT2D-related conditions. This variant is not present in population databases (gnomAD no frequency). This sequence change replaces glutamine, which is neutral and polar, with glutamic acid, which is acidic and polar, at codon 3856 of the KMT2D protein (p.Gln3856Glu).

NM_003482.4(KMT2D):c.11566C>G (p.Gln3856Glu)

Gene: KMT2D (lysine methyltransferase 2D; minus strand). Cytogenetic location: 12q13.12.
Variant type: single nucleotide variant.
Coding change: c.11566C>G on transcript NM_003482.4 (MANE Select); coding-DNA position 11566, C replaced by G.
Protein change: p.Gln3856Glu; replaces glutamine 3856 with glutamic acid.
Molecular consequence: missense variant.
Genome position (GRCh38, 1-based): chr12:49,033,139, G>C on the plus strand (C>G on the coding strand, the complement: KMT2D is on the minus strand). VCF-style: chr12-49033139-G-C. GRCh37 (hg19) VCF-style: chr12-49426922-G-C.
Other names: short protein forms Q3856E.
Identifiers: ClinVar variation 2775539 (VCV002775539.4), dbSNP rs1943036996, ClinGen allele CA384717639.